The following is an entry in ClinVar:

ClinVar aggregate classification (germline): Uncertain significance (1 of 4 stars; one submission).

Conditions:
Inborn genetic diseases. Identifiers: MedGen C0950123, MeSH D030342.

Allele frequency attached by ClinVar (database versions not stated): gnomAD exomes below 0.00001; gnomAD 0.00001; TOPMed 0.00002.
gnomAD v4.1: 4 of 1,612,298 alleles (0.00025%); highest among the groups gnomAD compares: African/African-American, 0.004%; no homozygotes.

Submission:

Ambry Genetics
Classification: Uncertain significance for Inborn genetic diseases. Last evaluated: 2023-02-20. Review status: criteria provided, single submitter. Criteria: Ambry Variant Classification Scheme 2023. Collection method: clinical testing. Allele origin: germline.
Comment: The p.H385Y variant (also known as c.1153C>T), located in coding exon 10 of the LRRK2 gene, results from a C to T substitution at nucleotide position 1153. The histidine at codon 385 is replaced by tyrosine, an amino acid with similar properties. This amino acid position is conserved. In addition, this alteration is predicted to be tolerated by in silico analysis. Since supporting evidence is limited at this time, the clinical significance of this alteration remains unclear.

NM_198578.4(LRRK2):c.1153C>T (p.His385Tyr)

Gene: LRRK2 (leucine rich repeat kinase 2; plus strand). Cytogenetic location: 12q12.
Variant type: single nucleotide variant.
Coding change: c.1153C>T on transcript NM_198578.4 (MANE Select); coding-DNA position 1153, C replaced by T.
Protein change: p.His385Tyr; replaces histidine 385 with tyrosine.
Molecular consequence: missense variant.
Genome position (GRCh38, 1-based): chr12:40,251,516, C>T. VCF-style: chr12-40251516-C-T. GRCh37 (hg19) VCF-style: chr12-40645318-C-T.
Other names: short protein forms H385Y.
Identifiers: ClinVar variation 2489453 (VCV002489453.2), dbSNP rs890975722, ClinGen allele CA235357706.